The following is an entry in ClinVar:

NM_004055.5(CAPN5):c.330C>A (p.Asp110Glu)

Gene: CAPN5 (calpain 5; plus strand). Cytogenetic location: 11q13.5.
Variant type: single nucleotide variant.
Coding change: c.330C>A on transcript NM_004055.5 (MANE Select); coding-DNA position 330, C replaced by A.
Protein change: p.Asp110Glu; replaces aspartic acid 110 with glutamic acid.
Molecular consequence: missense variant.
Genome position (GRCh38, 1-based): chr11:77,112,621, C>A. VCF-style: chr11-77112621-C-A. GRCh37 (hg19) VCF-style: chr11-76823667-C-A.
Other names: short protein forms D110E.
Identifiers: ClinVar variation 1499864 (VCV001499864.6), dbSNP rs1950422986, ClinGen allele CA381936792.
Genomic context (GRCh38, chr11:77,112,621, plus strand): 5'-CCATCCTATCCCCCCTCCCCCTACCCAGGTCATCCCAGACTGGAAGGAGCAGGAATGGGA[C>A]CCCGAAAAGCCCAACGCCTACGCGGGCATCTTCCACTTCCACTTCTGGCGCTTCGGGGAA-3'
Protein context (NP_004046.2, residues 100-120): VIPDWKEQEW[Asp110Glu]PEKPNAYAGI

ClinVar aggregate classification (germline): Uncertain significance (1 of 4 stars; one submission).

Allele frequency attached by ClinVar (database versions not stated): gnomAD 0.00001.
gnomAD v4.1: 1 of 1,614,002 alleles (0.000062%); highest among the groups gnomAD compares: African/African-American, 0.0013%; no homozygotes.

Submission:

Labcorp Genetics (formerly Invitae), Labcorp
Classification: Uncertain significance. Last evaluated: 2022-03-09. Review status: criteria provided, single submitter. Criteria: Invitae Variant Classification Sherloc (09022015). Collection method: clinical testing. Allele origin: germline.
Comment: This variant has not been reported in the literature in individuals affected with CAPN5-related conditions. This variant is not present in population databases (gnomAD no frequency). This sequence change replaces aspartic acid, which is acidic and polar, with glutamic acid, which is acidic and polar, at codon 110 of the CAPN5 protein (p.Asp110Glu). Algorithms developed to predict the effect of missense changes on protein structure and function are either unavailable or do not agree on the potential impact of this missense change (SIFT: "Deleterious"; PolyPhen-2: "Benign"; Align-GVGD: "Class C0"). In summary, the available evidence is currently insufficient to determine the role of this variant in disease. Therefore, it has been classified as a Variant of Uncertain Significance.